The following is an entry in ClinVar:

ClinVar aggregate classification (germline): Uncertain significance (1 of 4 stars; one submission).

Conditions:
Perlman syndrome (PRLMNS). Identifiers: Orphanet 2849, MedGen C0796113, MONDO:0009965, OMIM 267000.

Allele frequency attached by ClinVar (database versions not stated): gnomAD exomes below 0.00001.
gnomAD v4.1: 2 of 1,613,946 alleles (0.00012%); highest among the groups gnomAD compares: Non-Finnish European, 0.00017%; no homozygotes.

Submission:

Labcorp Genetics (formerly Invitae), Labcorp
Classification: Uncertain significance for Perlman syndrome. Last evaluated: 2025-09-08. Review status: criteria provided, single submitter. Criteria: Invitae Variant Classification Sherloc (09022015). Collection method: clinical testing. Allele origin: germline.
Comment: This sequence change replaces lysine, which is basic and polar, with asparagine, which is neutral and polar, at codon 747 of the DIS3L2 protein (p.Lys747Asn). This variant is not present in population databases (gnomAD no frequency). This variant has not been reported in the literature in individuals affected with DIS3L2-related conditions. ClinVar contains an entry for this variant (Variation ID: 2697445). Invitae Evidence Modeling of protein sequence and biophysical properties (such as structural, functional, and spatial information, amino acid conservation, physicochemical variation, residue mobility, and thermodynamic stability) indicates that this missense variant is expected to disrupt DIS3L2 protein function with a positive predictive value of 80%. In summary, the available evidence is currently insufficient to determine the role of this variant in disease. Therefore, it has been classified as a Variant of Uncertain Significance.

NM_152383.5(DIS3L2):c.2241G>T (p.Lys747Asn)

Gene: DIS3L2 (DIS3 like 3'-5' exoribonuclease 2; plus strand). Cytogenetic location: 2q37.1.
Variant type: single nucleotide variant.
Coding change: c.2241G>T on transcript NM_152383.5 (MANE Select); coding-DNA position 2241, G replaced by T.
Protein change: p.Lys747Asn; replaces lysine 747 with asparagine.
Molecular consequence: missense variant. On other transcripts: non-coding transcript variant (2), intron variant (1).
Genome position (GRCh38, 1-based): chr2:232,334,451, G>T. VCF-style: chr2-232334451-G-T. GRCh37 (hg19) VCF-style: chr2-233199161-G-T.
Other names: c.1582-8894G>T (NM_001257281.2); short protein forms K747N.
Identifiers: ClinVar variation 2697445 (VCV002697445.3), dbSNP rs2469448675, ClinGen allele CA350977781.
Genomic context (GRCh38, chr2:232,334,451, plus strand): 5'-GGCGCCCGATACCCTGCAGAAACAGGCGGACCACTGTAACGACCGCCGCATGGCGTCCAA[G>T]CGCGTGCAGGAGCTCAGTACCAGTCTCTTCTTTGCTGTTCTGGTCAAGGTGAGCCCTCCA-3'
Protein context (NP_689596.4, residues 737-757): DHCNDRRMAS[Lys747Asn]RVQELSTSLF